The following is an entry in ClinVar:

ClinVar aggregate classification (germline): Uncertain significance (1 of 4 stars; one submission).

Conditions:
Hereditary spastic paraplegia 11. Also called: Spastic paraplegia, mental retardation and thin corpus callosum; SPASTIC PARAPLEGIA, AUTOSOMAL RECESSIVE, COMPLICATED, WITH THIN CORPUS CALLOSUM; SPASTIC PARAPLEGIA, AUTOSOMAL RECESSIVE, WITH MENTAL IMPAIRMENT AND THIN CORPUS CALLOSUM; Spastic Paraplegia 11; Nakamura Osame syndrome; Autosomal recessive hereditary spastic paraplegia, mental impairment, and thin corpus callosum. Identifiers: Orphanet 2822, MedGen C1858479, MONDO:0011445, OMIM 604360.

Allele frequency attached by ClinVar (database versions not stated): gnomAD 0.00001.
gnomAD v4.1: 9 of 1,613,898 alleles (0.00056%); highest among the groups gnomAD compares: East Asian, 0.0022%; no homozygotes.

Submission:

Labcorp Genetics (formerly Invitae), Labcorp
Classification: Uncertain significance for Hereditary spastic paraplegia 11. Last evaluated: 2022-09-05. Review status: criteria provided, single submitter. Criteria: Invitae Variant Classification Sherloc (09022015). Collection method: clinical testing. Allele origin: germline.
Comment: In summary, the available evidence is currently insufficient to determine the role of this variant in disease. Therefore, it has been classified as a Variant of Uncertain Significance. Algorithms developed to predict the effect of sequence changes on RNA splicing suggest that this variant is not likely to affect RNA splicing. This sequence change replaces methionine, which is neutral and non-polar, with valine, which is neutral and non-polar, at codon 245 of the SPG11 protein (p.Met245Val). This variant is present in population databases (no rsID available, gnomAD 0.06%). This variant has not been reported in the literature in individuals affected with SPG11-related conditions. ClinVar contains an entry for this variant (Variation ID: 216775). Algorithms developed to predict the effect of missense changes on protein structure and function (SIFT, PolyPhen-2, Align-GVGD) all suggest that this variant is likely to be tolerated.

NM_025137.4(SPG11):c.733A>G (p.Met245Val)

Gene: SPG11 (SPG11 vesicle trafficking associated, spatacsin; minus strand). Cytogenetic location: 15q21.1.
Variant type: single nucleotide variant.
Coding change: c.733A>G on transcript NM_025137.4 (MANE Select); coding-DNA position 733, A replaced by G.
Protein change: p.Met245Val; replaces methionine 245 with valine.
Molecular consequence: missense variant.
Genome position (GRCh38, 1-based): chr15:44,657,231, T>C on the plus strand (A>G on the coding strand, the complement: SPG11 is on the minus strand). VCF-style: chr15-44657231-T-C. GRCh37 (hg19) VCF-style: chr15-44949429-T-C.
Other names: c.733A>G, p.Met245Val (NM_001160227.2); short protein forms M245V.
Identifiers: ClinVar variation 216775 (VCV000216775.6), dbSNP rs863224796, ClinGen allele CA339559.